The following is an entry in ClinVar:

ClinVar aggregate classification (germline): Likely benign. Review status: criteria provided, single submitter (1 of 4 stars). 2 submissions from 2 submitters: Likely benign (1). 1 of the submissions does not count toward it. Last evaluated 2025-06-12.

Conditions:
LAMA5-related disorder. Also called: LAMA5-related condition; LAMA5-Related Disorders.

Allele frequency attached by ClinVar (database versions not stated): gnomAD exomes 0.00004; ExAC 0.00005; ESP Exome Variant Server 0.00008; gnomAD 0.00015; TOPMed 0.00022; 1000 Genomes Project 30x 0.00031; 1000 Genomes Project 0.00040.
gnomAD v4.1: 75 of 1,613,028 alleles (0.0046%); highest among the groups gnomAD compares: African/African-American, 0.048%; no homozygotes.

Submissions (2):

Labcorp Genetics (formerly Invitae), Labcorp
Classification: Likely benign. Last evaluated: 2025-06-12. Review status: criteria provided, single submitter. Criteria: Invitae Variant Classification Sherloc (09022015). Collection method: clinical testing. Allele origin: germline.

PreventionGenetics, part of Exact Sciences
Classification: Likely benign for LAMA5-related condition. Last evaluated: 2022-12-21. Review status: no assertion criteria provided. Collection method: clinical testing. Allele origin: germline. Not counted in ClinVar's aggregate classification.
Comment: This variant is classified as likely benign based on ACMG/AMP sequence variant interpretation guidelines (Richards et al. 2015 PMID: 25741868, with internal and published modifications).

NM_005560.6(LAMA5):c.2436G>A (p.Lys812=)

Gene: LAMA5 (laminin subunit alpha 5; minus strand). Cytogenetic location: 20q13.33.
Variant type: single nucleotide variant.
Coding change: c.2436G>A on transcript NM_005560.6 (MANE Select); coding-DNA position 2436, G replaced by A.
Protein change: p.Lys812=; no amino-acid change (lysine 812 retained).
Molecular consequence: synonymous variant.
Genome position (GRCh38, 1-based): chr20:62,335,067, C>T on the plus strand (G>A on the coding strand, the complement: LAMA5 is on the minus strand). VCF-style: chr20-62335067-C-T. GRCh37 (hg19) VCF-style: chr20-60910123-C-T.
Other names: c.2436G>A (NM_005560.4).
Identifiers: ClinVar variation 1991434 (VCV001991434.6), dbSNP rs375974849, ClinGen allele CA9943438.
Genomic context (GRCh38, chr20:62,335,067, plus strand): 5'-GAGTGGGCACTCACTGCGGCAGCCAAAATAGTCAGCCTGATCCAGTCCAAAGAAGCCATC[C>T]TTGCAGGACGCGCAGGCCTGGCCGCACACGTGGGGCTTGCAGAAGCACTGGCCGGTGCCC-3'
Protein context (NP_005551.3, residues 802-822): HVCGQACASC[Lys812=]DGFFGLDQAD